The following is an entry in ClinVar:

ClinVar aggregate classification (germline): Uncertain significance. Review status: criteria provided, multiple submitters, no conflicts (2 of 4 stars). 3 submissions from 3 submitters: Uncertain significance (3). Last evaluated 2025-11-04.

Conditions:
CSRP3-related disorder. Also called: CSRP3-related condition; CSRP3-related disorders.
Cardiovascular phenotype. Identifiers: MedGen CN230736.
Hypertrophic cardiomyopathy 12. Identifiers: MedGen C2677491, MONDO:0012804, OMIM 612124.
Dilated cardiomyopathy 1M (CMD1M). Identifiers: Orphanet 154, MedGen C1843808, MONDO:0011840, OMIM 607482.

Allele frequency attached by ClinVar (database versions not stated): gnomAD exomes 0.00001; TOPMed 0.00001.
gnomAD v4.1: 9 of 1,614,110 alleles (0.00056%); highest among the groups gnomAD compares: Non-Finnish European, 0.00076%; no homozygotes.

Submissions (3):

Ambry Genetics
Classification: Uncertain significance for Cardiovascular phenotype. Last evaluated: 2025-11-04. Review status: criteria provided, single submitter. Criteria: Ambry Variant Classification Scheme 2023. Collection method: clinical testing. Allele origin: germline.
Comment: The p.I181V variant (also known as c.541A>G), located in coding exon 5 of the CSRP3 gene, results from an A to G substitution at nucleotide position 541. The isoleucine at codon 181 is replaced by valine, an amino acid with highly similar properties. This amino acid position is conserved. In addition, this alteration is predicted to be tolerated by in silico analysis. Since supporting evidence is limited at this time, the clinical significance of this alteration remains unclear.

PreventionGenetics, part of Exact Sciences
Classification: Uncertain significance for CSRP3-related condition. Last evaluated: 2025-05-08. Review status: criteria provided, single submitter. Criteria: ACMG Guidelines, 2015. Collection method: clinical testing. Allele origin: germline.
Comment: The CSRP3 c.541A>G variant is predicted to result in the amino acid substitution p.Ile181Val. To our knowledge, this variant has not been reported in the literature or in a large population database (gnomAD), indicating this variant is rare. At this time, the clinical significance of this variant is uncertain due to the absence of conclusive functional and genetic evidence.

Labcorp Genetics (formerly Invitae), Labcorp
Classification: Uncertain significance for Hypertrophic cardiomyopathy 12; Dilated cardiomyopathy 1M. Last evaluated: 2025-03-03. Review status: criteria provided, single submitter. Criteria: Invitae Variant Classification Sherloc (09022015). Collection method: clinical testing. Allele origin: germline.
Comment: This sequence change replaces isoleucine, which is neutral and non-polar, with valine, which is neutral and non-polar, at codon 181 of the CSRP3 protein (p.Ile181Val). This variant is not present in population databases (gnomAD no frequency). This variant has not been reported in the literature in individuals affected with CSRP3-related conditions. ClinVar contains an entry for this variant (Variation ID: 1747410). An algorithm developed to predict the effect of missense changes on protein structure and function (PolyPhen-2) suggests that this variant is likely to be tolerated. In summary, the available evidence is currently insufficient to determine the role of this variant in disease. Therefore, it has been classified as a Variant of Uncertain Significance.

NM_003476.5(CSRP3):c.541A>G (p.Ile181Val)

Gene: CSRP3 (cysteine and glycine rich protein 3; minus strand). Cytogenetic location: 11p15.1.
Variant type: single nucleotide variant.
Coding change: c.541A>G on transcript NM_003476.5 (MANE Select); coding-DNA position 541, A replaced by G.
Protein change: p.Ile181Val; replaces isoleucine 181 with valine.
Molecular consequence: missense variant. On other transcripts: synonymous variant (1).
Genome position (GRCh38, 1-based): chr11:19,182,714, T>C on the plus strand (A>G on the coding strand, the complement: CSRP3 is on the minus strand). VCF-style: chr11-19182714-T-C. GRCh37 (hg19) VCF-style: chr11-19204261-T-C.
Other names: c.541A>G (NM_003476.4); c.541A>G, p.Ile181Val (NM_001127656.1); c.372A>G, p.Val124= (NM_001369404.1); short protein forms I181V.
Identifiers: ClinVar variation 1747410 (VCV001747410.7), dbSNP rs904202473, ClinGen allele CA218632006.